The following is an entry in ClinVar:

ClinVar aggregate classification (germline): Uncertain significance (1 of 4 stars; one submission).

Conditions:
Epidermolysis bullosa simplex 3, localized or generalized intermediate, with BP230 deficiency (EBS3). Also called: Epidermolysis bullosa simplex due to BP230 deficiency; Epidermolysis bullosa simplex, autosomal recessive 2. Identifiers: Orphanet 412181, MedGen C3809470, MONDO:0014180, OMIM 615425.
Hereditary sensory and autonomic neuropathy type 6. Also called: Neuropathy, hereditary sensory and autonomic, type VI; HSAN VI. Identifiers: Orphanet 314381, MedGen C3539003, MONDO:0013839, OMIM 614653.

Allele frequency attached by ClinVar (database versions not stated): gnomAD exomes 0.00001; TOPMed 0.00002; gnomAD 0.00003; ExAC 0.00007; ESP Exome Variant Server 0.00008.
gnomAD v4.1: 10 of 1,592,842 alleles (0.00063%); highest among the groups gnomAD compares: African/African-American, 0.004%; no homozygotes.

Submission:

Labcorp Genetics (formerly Invitae), Labcorp
Classification: Uncertain significance for Epidermolysis bullosa simplex 3, localized or generalized intermediate, with BP230 deficiency; Hereditary sensory and autonomic neuropathy type 6. Last evaluated: 2022-06-27. Review status: criteria provided, single submitter. Criteria: Invitae Variant Classification Sherloc (09022015). Collection method: clinical testing. Allele origin: germline.
Comment: The DST gene has multiple clinically relevant transcripts. This variant occurs in alternate transcript NM_015548.4, and corresponds to NM_001723.5:c.*104279C>T in the primary transcript. This sequence change replaces arginine, which is basic and polar, with cysteine, which is neutral and slightly polar, at codon 3624 of the DST protein (p.Arg3624Cys). The frequency data for this variant in the population databases is considered unreliable, as metrics indicate poor data quality at this position in the gnomAD database. This variant has not been reported in the literature in individuals affected with DST-related conditions. Experimental studies and prediction algorithms are not available or were not evaluated, and the functional significance of this variant is currently unknown. Algorithms developed to predict the effect of sequence changes on RNA splicing suggest that this variant may create or strengthen a splice site. In summary, the available evidence is currently insufficient to determine the role of this variant in disease. Therefore, it has been classified as a Variant of Uncertain Significance.

NM_001374736.1(DST):c.18739C>T (p.Arg6247Cys)

Gene: DST (dystonin; minus strand). Cytogenetic location: 6p12.1.
Variant type: single nucleotide variant.
Coding change: c.18739C>T on transcript NM_001374736.1 (MANE Select); coding-DNA position 18739, C replaced by T.
Protein change: p.Arg6247Cys; replaces arginine 6247 with cysteine.
Molecular consequence: missense variant.
Genome position (GRCh38, 1-based): chr6:56,511,238, G>A on the plus strand (C>T on the coding strand, the complement: DST is on the minus strand). VCF-style: chr6-56511238-G-A. GRCh37 (hg19) VCF-style: chr6-56376036-G-A.
Other names: c.12382C>T, p.Arg4128Cys (NM_001144769.5); c.11968C>T, p.Arg3990Cys (NM_001144770.2); c.18739C>T, p.Arg6247Cys (NM_001374722.1); c.17779C>T, p.Arg5927Cys (NM_001374729.1); c.11521C>T, p.Arg3841Cys (NM_001374730.1); c.18766C>T, p.Arg6256Cys (NM_001374734.1); c.11848C>T, p.Arg3950Cys (NM_001386100.1, NM_183380.4); c.10870C>T, p.Arg3624Cys (NM_015548.5); short protein forms R6247C, R3990C, R4128C, R3624C, R3841C, R3950C, R5927C, R6256C.
Identifiers: ClinVar variation 1422866 (VCV001422866.3), dbSNP rs372915322, ClinGen allele CA3867163.